The following continues an entry in ClinVar:

NM_000059.4(BRCA2):c.9371A>T (p.Asn3124Ile)

Gene: BRCA2. ClinVar aggregate classification (germline): Pathogenic. Pathogenic (1).

Submissions 31 to 48 of 48:

Eurofins Ntd Llc (ga)
Classification: Pathogenic. Last evaluated: 2017-08-31. Review status: criteria provided, single submitter. Criteria: EGL Classification Definitions 2015. Collection method: clinical testing. Allele origin: germline. Not counted in ClinVar's aggregate classification.

Genome Diagnostics Laboratory, University Medical Center Utrecht
Classification: Likely pathogenic for Breast-ovarian cancer, familial, susceptibility to, 2. Last evaluated: 2017-07-28. Review status: criteria provided, single submitter. Criteria: ACGS Guidelines, 2013. Collection method: clinical testing. Allele origin: germline. Affected: yes. Study: VKGL Data-share Consensus. Not counted in ClinVar's aggregate classification.

Genetic Services Laboratory, University of Chicago
Classification: Pathogenic for {Breast-ovarian cancer, familial, 2}. Last evaluated: 2016-02-01. Review status: criteria provided, single submitter. Criteria: ACMG Guidelines, 2015. Collection method: clinical testing. Allele origin: germline. Affected: yes. Not counted in ClinVar's aggregate classification.

Consortium of Investigators of Modifiers of BRCA1/2 (CIMBA), c/o University of Cambridge
Classification: Pathogenic for Breast-ovarian cancer, familial, susceptibility to, 2. Last evaluated: 2015-10-02. Review status: criteria provided, single submitter. Criteria: CIMBA Mutation Classification guidelines May 2016. Collection method: clinical testing. Allele origin: germline. Not counted in ClinVar's aggregate classification.

Clinical Genetics and Genomics, Karolinska University Hospital
Classification: Pathogenic. Last evaluated: 2014-07-07. Review status: criteria provided, single submitter. Criteria: ACMG Guidelines, 2015. Collection method: clinical testing. Allele origin: germline. Affected: yes. Observed: 2 variant alleles. Not counted in ClinVar's aggregate classification.

Genesis Genomics
Classification: Pathogenic for Breast-ovarian cancer, familial, susceptibility to, 2. Review status: criteria provided, single submitter. Criteria: ACMG Guidelines, 2015. Collection method: clinical testing. Allele origin: germline. Affected: yes. Observed: 1 variant allele. Not counted in ClinVar's aggregate classification.

Zotz-Klimas Genetics Lab, MVZ Zotz Klimas
Classification: Pathogenic for Breast-ovarian cancer, familial, susceptibility to, 2. Last evaluated: 2023-11-24. Review status: no assertion criteria provided. Collection method: clinical testing. Allele origin: germline. Affected: yes. Not counted in ClinVar's aggregate classification.

Department of Medical and Surgical Sciences, University of Bologna
Classification: Pathogenic for Breast-ovarian cancer, familial, susceptibility to, 2. Last evaluated: 2023-09-01. Review status: no assertion criteria provided. Collection method: clinical testing. Allele origin: germline. Affected: yes. Not counted in ClinVar's aggregate classification.
Comment: PS3(Strong)+PM2(Supporting)+PP4(Very Strong) according to ACMG/AMP classification guidelines specified for BRCA1 & BRCA2 (Classification Criteria V1.0.0 2023-09-08) (PMID: 38160042)

BRCAlab, Lund University
Classification: Pathogenic for Breast-ovarian cancer, familial, susceptibility to, 2. Last evaluated: 2022-08-26. Review status: no assertion criteria provided. Collection method: clinical testing. Allele origin: germline. Affected: yes. Not counted in ClinVar's aggregate classification.

CZECANCA consortium
Classification: Pathogenic for Breast and/or ovarian cancer. Last evaluated: 2019-06-11. Review status: no assertion criteria provided. Collection method: clinical testing. Allele origin: germline. Affected: yes. Observed: 6 variant alleles. Not counted in ClinVar's aggregate classification.

Counsyl
Classification: Likely pathogenic for Breast-ovarian cancer, familial, susceptibility to, 2. Last evaluated: 2016-06-17. Review status: no assertion criteria provided. Collection method: clinical testing. Allele origin: unknown. Not counted in ClinVar's aggregate classification.

Research Molecular Genetics Laboratory, Women's College Hospital, University of Toronto
Classification: Likely pathogenic for Hereditary breast ovarian cancer syndrome. Last evaluated: 2015-12-17. Review status: no assertion criteria provided. Collection method: research. Allele origin: germline. Affected: yes. Study: The Canadian Open Genetics Repository (COGR). Not counted in ClinVar's aggregate classification.

Sharing Clinical Reports Project (SCRP)
Classification: Pathogenic for Breast-ovarian cancer, familial 2. Last evaluated: 2013-07-16. Review status: no assertion criteria provided. Collection method: clinical testing. Allele origin: germline. Not counted in ClinVar's aggregate classification.

Breast Cancer Information Core (BIC) (BRCA2)
Classification: Uncertain significance for Breast-ovarian cancer, familial 2. Last evaluated: 2004-02-20. Review status: no assertion criteria provided. Collection method: clinical testing. Allele origin: germline. Affected: yes. Observed: 17 variant alleles. Not counted in ClinVar's aggregate classification.

Clinical Genetics Laboratory, Department of Pathology, Netherlands Cancer Institute
Classification: Likely pathogenic. Review status: no assertion criteria provided. Collection method: clinical testing. Allele origin: germline. Affected: yes. Study: VKGL Data-share Consensus. Not counted in ClinVar's aggregate classification.

Department of Pathology and Laboratory Medicine, Sinai Health System
Classification: Pathogenic for Malignant tumor of breast. Review status: no assertion criteria provided. Collection method: clinical testing. Allele origin: unknown. Affected: yes. Observed: 3 variant alleles. Study: The Canadian Open Genetics Repository (COGR). Not counted in ClinVar's aggregate classification.
Comment: The p.Asn3124Ile variant was identified in 10 of 5262 proband chromosomes (frequency: 0.002) from individuals or families with hereditary breast and/or ovarian cancer (HBOC), and was not identified in 1500 control chromosomes from healthy individuals (Akbari 2011, Balabas 2010, Biswas 2012, Grzybowska 2000, Guidugli 2013, Karchin 2008, Levanat 2012, Meindl 2002, Rajasekaran 2008, Stegel 2011). The variant was identified in dbSNP as â€šÃ„Ãºwith pathogenic alleleâ€šÃ„Ã¹ (ID: rs28897759), in Exome Aggregation Consortium (ExAC) database in 2 of 66670 alleles in the European (non-Finnish) population. It was also found in HGMD, LOVD, the ClinVar database (classified as Pathogenic variant by the Sharing Clinical Reports Project; classified as pathogenic by ambry Genetics; classified as Uncertain significance by BIC and classification not provided by Invitae). In GeneInsight through the COGR the variant was identified 1x classified as â€šÃ„Ãºunknownâ€šÃ„Ã¹ by a clinical laboratory, in the BIC database classified as 17x with unknown clinical importance, and in UMD 6x as an unknown variant. The p.Asn3124 residue is conserved across mammals and lower organisms, and computational analyses (PolyPhen-2, SIFT, AlignGVGD, BLOSUM, MutationTaster) suggest that the p.Asn3124Ile may impact the protein. In one study (Biswas 2012), which examined co-segregation likelihood ratios, the data was suggestive, but not conclusive, of causality or pathogenicity (LR variant = 36.95) for the p.Asn3124Ile. In addition, in vitro functional studies showed the p.Asn3124Ile variant compromised BRCA2 function (Biswas 2012, Guidugli 2013). In silico structural studies predict the missense change to disrupt the structural integrity of the protein (Biswas 2012, Levanat 2012), and multifactorial likelihood-ratio models showed higher odds in favor of causality for this variant (Karchin 2008), increasing the likelihood this variant may have clinical significance. In one study (Surowy 2014), reviewing all evidence on p.Asn3124Ile variant, the authors investigated the potential pathogenic nature of the p.Asn3124Ile variant. The authors detected the variant in seven families with high-risk familial breast and other related cancers. The absence of this variant in more than 3,000 control individuals of the same geographical region, its absence in individuals with breast cancer with pathogenic BRCA1/2 mutations, its co-segregation with breast and ovarian cancer in one first degree relative in one family, and consistent results of in silico prediction analyses confirm the strong association with high breast cancer risk and underline that the BRCA2 p.Asn3124Ile variant is most likely a pathogenic mutation. In summary, based on the above information, this variant meets our laboratoryâ€šÃ„Ã´s criteria to be classified as pathogenic.

Diagnostic Laboratory, Department of Genetics, University Medical Center Groningen
Classification: Likely pathogenic. Review status: no assertion criteria provided. Collection method: clinical testing. Allele origin: germline. Affected: yes. Study: VKGL Data-share Consensus. Not counted in ClinVar's aggregate classification.

Joint Genome Diagnostic Labs from Nijmegen and Maastricht, Radboudumc and MUMC+
Classification: Pathogenic. Review status: no assertion criteria provided. Collection method: clinical testing. Allele origin: germline. Affected: yes. Study: VKGL Data-share Consensus. Not counted in ClinVar's aggregate classification.

Literature cited by the submitters: PubMed 31131967 (cited by 3 submitters); PubMed 11102977 (cited by 5 submitters); PubMed 16284991 (cited by 4 submitters); PubMed 18703817 (cited by Labcorp Genetics (formerly Invitae), Labcorp and Quest Diagnostics Nichols Institute San Juan Capistrano); PubMed 21120943 (cited by 3 submitters); PubMed 21232165 (cited by 6 submitters); PubMed 21965345 (cited by 6 submitters); PubMed 22366370 (cited by 5 submitters); PubMed 22729890 (cited by 3 submitters); PubMed 25948282 (cited by 3 submitters); PubMed 11802209 (cited by 5 submitters); PubMed 20383589 (cited by 6 submitters); PubMed 24728577 (cited by 8 submitters); PubMed 33609447 (cited by 3 submitters); PubMed 22678057 (cited by 7 submitters); PubMed 23108138 (cited by 8 submitters); PubMed 29161300 (cited by Quest Diagnostics Nichols Institute San Juan Capistrano and Ambry Genetics); PubMed 29394989 (cited by 5 submitters); PubMed 29506128 (cited by Quest Diagnostics Nichols Institute San Juan Capistrano and Ambry Genetics); PubMed 29907814 (cited by Quest Diagnostics Nichols Institute San Juan Capistrano); PubMed 29988080 (cited by 4 submitters); PubMed 30613976 (cited by Quest Diagnostics Nichols Institute San Juan Capistrano); PubMed 31159747 (cited by Quest Diagnostics Nichols Institute San Juan Capistrano); PubMed 31360904 (cited by Quest Diagnostics Nichols Institute San Juan Capistrano); PubMed 33964450 (cited by Quest Diagnostics Nichols Institute San Juan Capistrano and All of Us Research Program, National Institutes of Health); PubMed 34597585 (cited by Quest Diagnostics Nichols Institute San Juan Capistrano); PubMed 25085752 (cited by Quest Diagnostics Nichols Institute San Juan Capistrano); PubMed 26843898 (cited by 5 submitters); PubMed 28324225 (cited by Quest Diagnostics Nichols Institute San Juan Capistrano); PubMed 32444794 (cited by 3 submitters); PubMed 31853058 (cited by Quest Diagnostics Nichols Institute San Juan Capistrano and Color Diagnostics, LLC DBA Color Health); PubMed 39779857 (cited by Quest Diagnostics Nichols Institute San Juan Capistrano and Color Diagnostics, LLC DBA Color Health); PubMed 37922907 (cited by Quest Diagnostics Nichols Institute San Juan Capistrano and Color Diagnostics, LLC DBA Color Health); PubMed 35736817 (cited by Quest Diagnostics Nichols Institute San Juan Capistrano and Color Diagnostics, LLC DBA Color Health); PubMed 33471991 (cited by Quest Diagnostics Nichols Institute San Juan Capistrano and Ambry Genetics); PubMed 11139248 (cited by 5 submitters); PubMed 19043619 (cited by Quest Diagnostics Nichols Institute San Juan Capistrano and Ambry Genetics); PubMed 18724707 (cited by Quest Diagnostics Nichols Institute San Juan Capistrano and Ambry Genetics); PubMed 24323938 (cited by Quest Diagnostics Nichols Institute San Juan Capistrano and Women's Health and Genetics/Laboratory Corporation of America, LabCorp); PubMed 21990134 (cited by 3 submitters); PubMed 26786923 (cited by 3 submitters); PubMed 27616075 (cited by 3 submitters); PubMed 30040829 (cited by 3 submitters); PubMed 34399810 (cited by Color Diagnostics, LLC DBA Color Health and All of Us Research Program, National Institutes of Health); PubMed 25452441 (cited by Ambry Genetics); PubMed 29446198 (cited by Ambry Genetics and Women's Health and Genetics/Laboratory Corporation of America, LabCorp); PubMed 29785153 (cited by Ambry Genetics); PubMed 14555518 (cited by Women's Health and Genetics/Laboratory Corporation of America, LabCorp); PubMed 32295079 (cited by CZECANCA consortium).